The following is an entry in ClinVar:

NM_000059.4(BRCA2):c.6447_6448dup (p.Lys2150fs)

Gene: BRCA2 (BRCA2 DNA repair associated; plus strand). Cytogenetic location: 13q13.1.
Variant type: Duplication.
Coding change: c.6447_6448dup on transcript NM_000059.4 (MANE Select); coding-DNA positions 6447 to 6448, 2 bases duplicated (TA; older notation c.6447_6448dupTA).
Protein change: p.Lys2150fs; shifts the reading frame from lysine 2150.
Molecular consequence: frameshift variant.
Genome position (GRCh38, 1-based): chr13:32,340,802-32,340,803, TA duplicated. VCF-style (leftmost placement, unchanged base first): chr13-32340801-T-TTA. GRCh37 (hg19) VCF-style: chr13-32914938-T-TTA.
Other names: NP_000050.3:p.Lys2150IlefsTer19; c.6447_6448dupTA (NM_000059.3); short protein forms K2150fs.
Identifiers: ClinVar variation 52104 (VCV000052104.78), dbSNP rs397507858, ClinGen allele CA024063.

ClinVar aggregate classification (germline): Pathogenic. Review status: reviewed by expert panel (3 of 4 stars). 13 submissions from 13 submitters: Pathogenic (1). 12 of the submissions do not count toward it. Last evaluated 2016-09-08.

Conditions:
Hereditary cancer-predisposing syndrome. Also called: Hereditary Cancer Syndrome; Tumor predisposition; Neoplastic Syndromes, Hereditary; Hereditary neoplastic syndrome. Identifiers: Orphanet 140162, MedGen C0027672, MeSH D009386, MONDO:0015356.
Hereditary breast ovarian cancer syndrome. Also called: Breast and ovarian cancer; BRCA1- and BRCA2-Associated Hereditary Breast and Ovarian Cancer; Hereditary breast and ovarian cancer; Hereditary breast and ovarian cancer syndrome (HBOC); Hereditary breast and ovarian cancer syndrome; Hereditary breast and/or ovarian cancer syndrome. Identifiers: Orphanet 145, MedGen C0677776, MeSH D061325, MONDO:0003582. Disease mechanism: loss of function.
Breast-ovarian cancer, familial, susceptibility to, 2 (BROVCA2). Also called: BRCA2 Hereditary Breast and Ovarian Cancer. Identifiers: Orphanet 145, MedGen C2675520, MONDO:0012933, OMIM 612555. Disease mechanism: loss of function.
Familial cancer of breast. Also called: BREAST CANCER, FAMILIAL; hereditary breast carcinoma; Hereditary breast cancer. Identifiers: Orphanet 227535, MedGen C0346153, MONDO:0016419, OMIM 114480. Disease mechanism: loss of function.

Submissions (13):

Evidence-based Network for the Interpretation of Germline Mutant Alleles (ENIGMA)
Classification: Pathogenic for Breast-ovarian cancer, familial, susceptibility to, 2. Last evaluated: 2016-09-08. Review status: reviewed by expert panel. Criteria: ENIGMA BRCA1/2 Classification Criteria (2015). Collection method: curation. Allele origin: germline.
Comment: Variant allele predicted to encode a truncated non-functional protein.

CeGaT Center for Human Genetics Tuebingen
Classification: Pathogenic. Last evaluated: 2026-05-01. Review status: criteria provided, single submitter. Criteria: CeGaT Center For Human Genetics Tuebingen Variant Classification Criteria Version 2. Collection method: clinical testing. Allele origin: germline. Affected: yes. Observed: 2 variant alleles. Not counted in ClinVar's aggregate classification.
Comment: BRCA2: PVS1, PS4, PM2

Mayo Clinic Laboratories, Mayo Clinic
Classification: Pathogenic. Last evaluated: 2025-12-13. Review status: criteria provided, single submitter. Criteria: ACMG Guidelines, 2015. Collection method: clinical testing. Allele origin: germline. Observed: 1 variant allele. Not counted in ClinVar's aggregate classification.
Comment: PM2_supporting, PM5_strong, PVS1

Women's Health and Genetics/Laboratory Corporation of America, LabCorp
Classification: Pathogenic for Hereditary breast ovarian cancer syndrome. Last evaluated: 2025-10-31. Review status: criteria provided, single submitter. Criteria: LabCorp Variant Classification Summary - May 2015. Collection method: clinical testing. Allele origin: germline. Not counted in ClinVar's aggregate classification.
Comment: Variant summary: BRCA2 c.6447_6448dupTA (p.Lys2150IlefsX19) results in a premature termination codon, predicted to cause a truncation of the encoded protein or absence of the protein due to nonsense mediated decay, which are commonly known mechanisms for disease. The variant was absent in 230766 control chromosomes. c.6447_6448dupTA has been observed in individuals affected with Hereditary Breast And Ovarian Cancer Syndrome (e.g. Van der Merwe_2022). These data indicate that the variant is likely to be associated with disease. To our knowledge, no experimental evidence demonstrating an impact on protein function has been reported. The following publication has been ascertained in the context of this evaluation (PMID: 35464868). ClinVar contains an entry for this variant (Variation ID: 52104). Based on the evidence outlined above, the variant was classified as pathogenic.

Ambry Genetics
Classification: Pathogenic for Hereditary cancer-predisposing syndrome. Last evaluated: 2025-01-17. Review status: criteria provided, single submitter. Criteria: Ambry Variant Classification Scheme 2023. Collection method: clinical testing. Allele origin: germline. Not counted in ClinVar's aggregate classification.
Comment: The c.6447_6448dupTA pathogenic mutation, located in coding exon 10 of the BRCA2 gene, results from a duplication of TA at nucleotide position 6447, causing a translational frameshift with a predicted alternate stop codon (p.K2150Ifs*19). This alteration has been detected in individuals from many breast/ovarian cancer cohorts (Meindl A et al. Int J Cancer, 2002 Feb;97:472-80; Concolino P et al. Int J Mol Sci, 2019 Jul;20; Zhang J et al. Breast Cancer Res Treat, 2016 08;158:455-62; Oosthuizen J et al. Front Oncol, 2020 Feb;10:619469; De Talhouet S et al. Sci Rep, 2020 04;10:7073). Of note, this alteration is also designated as "6676dupTA" and "6676insTA" in published literature. This variant is considered to be rare based on population cohorts in the Genome Aggregation Database (gnomAD). In addition to the clinical data presented in the literature, this alteration is expected to result in loss of function by premature protein truncation or nonsense-mediated mRNA decay. As such, this alteration is interpreted as a disease-causing mutation.

Labcorp Genetics (formerly Invitae), Labcorp
Classification: Pathogenic for Hereditary breast ovarian cancer syndrome. Last evaluated: 2024-11-16. Review status: criteria provided, single submitter. Criteria: Invitae Variant Classification Sherloc (09022015). Collection method: clinical testing. Allele origin: germline. Not counted in ClinVar's aggregate classification.
Comment: This sequence change creates a premature translational stop signal (p.Lys2150Ilefs*19) in the BRCA2 gene. It is expected to result in an absent or disrupted protein product. Loss-of-function variants in BRCA2 are known to be pathogenic (PMID: 20104584). This variant is not present in population databases (gnomAD no frequency). This premature translational stop signal has been observed in individual(s) with breast cancer and ovarian cancer (PMID: 11802209, 21204799, 22072316, 24152768, 27393621, 28943953). This variant is also known as 6676insTA. ClinVar contains an entry for this variant (Variation ID: 52104). For these reasons, this variant has been classified as Pathogenic.

Color Diagnostics, LLC DBA Color Health
Classification: Pathogenic for Hereditary cancer-predisposing syndrome. Last evaluated: 2022-02-07. Review status: criteria provided, single submitter. Criteria: ACMG Guidelines, 2015. Collection method: clinical testing. Allele origin: germline. Not counted in ClinVar's aggregate classification.
Comment: This variant inserts 2 nucleotides in exon 11 of the BRCA2 gene, creating a frameshift and premature translation stop signal. This variant is expected to result in an absent or non-functional protein product. This variant has been reported in individuals affected with breast cancer and in high-risk breast and ovarian cancer families (PMID: 11802209, 21204799, 22072316, 24152768, 27393621, 28943953). This variant has not been identified in the general population by the Genome Aggregation Database (gnomAD). Loss of BRCA2 function is a known mechanism of disease. Based on the available evidence, this variant is classified as Pathogenic.

Sema4
Classification: Pathogenic for Hereditary cancer-predisposing syndrome. Last evaluated: 2021-12-20. Review status: criteria provided, single submitter. Criteria: Sema4 Curation Guidelines. Collection method: curation. Allele origin: germline. Not counted in ClinVar's aggregate classification.
Comment: The BRCA2 c.6447_6448dupTA (p.K2150Ifs*19) variant has been reported in heterozygosity in numerous individuals with breast and/or ovarian cancer (PMID: 11802209, 21204799, 24152768, 27393621, 28294317, 28943953, 32341426, 33471991). This variant causes a frameshift at amino acid 2150 that results in premature termination 19 amino acids downstream. Loss of function variants in BRCA1 or BRCA2 are known to be pathogenic (PMID: 29446198). This variant was not observed in the large and broad cohorts of the Genome Aggregation Database. The variant has been reported in ClinVar (Variation ID 52104). Based on the current evidence available, this variant is interpreted as pathogenic.

National Health Laboratory Service, Universitas Academic Hospital and University of the Free State
Classification: Pathogenic for Hereditary breast ovarian cancer syndrome. Last evaluated: 2021-11-16. Review status: criteria provided, single submitter. Criteria: ACMG Guidelines, 2015. Collection method: clinical testing. Allele origin: germline. Affected: yes. Observed: 5 variant alleles. Not counted in ClinVar's aggregate classification.

Institute of Human Genetics, University of Leipzig Medical Center
Classification: Pathogenic for Familial cancer of breast. Last evaluated: 2019-01-01. Review status: criteria provided, single submitter. Criteria: ACMG Guidelines, 2015. Collection method: clinical testing. Allele origin: unknown. Affected: yes. Not counted in ClinVar's aggregate classification.

Consortium of Investigators of Modifiers of BRCA1/2 (CIMBA), c/o University of Cambridge
Classification: Pathogenic for Breast-ovarian cancer, familial, susceptibility to, 2. Last evaluated: 2015-10-02. Review status: criteria provided, single submitter. Criteria: CIMBA Mutation Classification guidelines May 2016. Collection method: clinical testing. Allele origin: germline. Not counted in ClinVar's aggregate classification.

Quest Diagnostics Nichols Institute San Juan Capistrano
Classification: Pathogenic for Breast-ovarian cancer, familial, susceptibility to, 2. Last evaluated: 2015-08-06. Review status: criteria provided, single submitter. Criteria: Quest Diagnostics criteria. Collection method: clinical testing. Allele origin: germline. Inheritance: Autosomal dominant inheritance. Not counted in ClinVar's aggregate classification.

GeneDx
Classification: Pathogenic. Last evaluated: 2015-07-28. Review status: criteria provided, single submitter. Criteria: GeneDx Variant Classification (06012015). Collection method: clinical testing. Allele origin: germline. Affected: yes. Not counted in ClinVar's aggregate classification.
Comment: This duplication of 2 nucleotides in BRCA2 is denoted c.6447_6448dupTA at the cDNA level and p.Lys2150IlefsX19 (K2150IfsX19) at the protein level. This duplication is also known as BRCA2 6675_6676dupTA or 6676insTA using alternate nomenclature. The normal sequence, with the bases that are duplicated in braces, is CTAT[TA]AAGT. The duplication causes a frameshift, which changes a Lysine to an Isoleucine at codon 2150, and creates a premature stop codon at position 19 of the new reading frame. This variant is predicted to cause loss of normal protein function through either protein truncation or nonsense-mediated mRNA decay. BRCA2 c.6447_6448dupTA has been identified in several individuals with a personal/family history of early-onset breast cancer, male breast cancer, and/or ovarian cancer (Meindl 2002, van der Merwe 2012, Pilato 2014). we consider this variant to be pathogenic.

Literature cited by the submitters: PubMed 11802209 (cited by 6 submitters); PubMed 21204799 (cited by 5 submitters); PubMed 24152768 (cited by 5 submitters); PubMed 28294317 (cited by Mayo Clinic Laboratories, Mayo Clinic and Sema4); PubMed 28943953 (cited by 4 submitters); PubMed 31336956 (cited by Mayo Clinic Laboratories, Mayo Clinic and Ambry Genetics); PubMed 32341426 (cited by 3 submitters); PubMed 33643918 (cited by Mayo Clinic Laboratories, Mayo Clinic and Ambry Genetics); PubMed 35464868 (cited by Women's Health and Genetics/Laboratory Corporation of America, LabCorp); PubMed 27393621 (cited by 4 submitters); PubMed 20104584 (cited by Labcorp Genetics (formerly Invitae), Labcorp); PubMed 22072316 (cited by Labcorp Genetics (formerly Invitae), Labcorp and Color Diagnostics, LLC DBA Color Health); PubMed 33471991 (cited by Sema4); PubMed 29446198 (cited by Sema4); DOI 10.3389/fgene.2022.834265 (cited by National Health Laboratory Service, Universitas Academic Hospital and University of the Free State); PubMed 26295337 (cited by Quest Diagnostics Nichols Institute San Juan Capistrano).